The following is an entry in ClinVar:

ClinVar aggregate classification (germline): Conflicting classifications of pathogenicity. Review status: criteria provided, conflicting classifications (1 of 4 stars). 9 submissions from 9 submitters: Uncertain significance (2); Benign (1); Likely benign (2). 4 of the submissions do not count toward it. Last evaluated 2026-02-04.

Conditions:
CERKL-related disorder. Also called: CERKL-related condition.
Retinitis pigmentosa (RP). Identifiers: Orphanet 791, MedGen C0035334, MeSH D012174, MONDO:0019200, OMIM 268000. Inheritance: Autosomal dominant, autosomal recessive and X linked inheritance.
Retinitis pigmentosa 26 (RP26). Identifiers: Orphanet 791, MedGen C1842127, MONDO:0012024, OMIM 608380.

Allele frequency attached by ClinVar (database versions not stated): ESP Exome Variant Server 0.00041; 1000 Genomes Project 0.00100; 1000 Genomes Project 30x 0.00109; TOPMed 0.00135; gnomAD exomes 0.00159; gnomAD 0.00164 and 0.00167; ExAC 0.00282.
gnomAD v4.1: 2,782 of 1,581,706 alleles (0.18%); highest among the groups gnomAD compares: Non-Finnish European, 0.21%; 3 homozygotes.

Submissions (9):

Labcorp Genetics (formerly Invitae), Labcorp
Classification: Benign. Last evaluated: 2026-02-04. Review status: criteria provided, single submitter. Criteria: Invitae Variant Classification Sherloc (09022015). Collection method: clinical testing. Allele origin: germline.

Blueprint Genetics
Classification: Likely benign. Last evaluated: 2024-11-07. Review status: criteria provided, single submitter. Criteria: ACMG Guidelines, 2015. Collection method: clinical testing. Allele origin: germline.

CeGaT Center for Human Genetics Tuebingen
Classification: Likely benign. Last evaluated: 2024-05-01. Review status: criteria provided, single submitter. Criteria: CeGaT Center For Human Genetics Tuebingen Variant Classification Criteria Version 2. Collection method: clinical testing. Allele origin: germline. Affected: yes. Observed: 4 variant alleles.
Comment: CERKL: BP4, BP7

Illumina Laboratory Services, Illumina
Classification: Uncertain significance for Retinitis pigmentosa. Last evaluated: 2018-01-13. Review status: criteria provided, single submitter. Criteria: ICSL Variant Classification Criteria 13 December 2019. Collection method: clinical testing. Allele origin: germline.

Eurofins Ntd Llc (ga)
Classification: Uncertain significance. Last evaluated: 2016-04-01. Review status: criteria provided, single submitter. Criteria: EGL Classification Definitions 2015. Collection method: clinical testing. Allele origin: germline. Observed: 1 variant allele, 1 heterozygote.

Natera, Inc.
Classification: Likely benign for Retinitis pigmentosa type 26. Last evaluated: 2020-05-31. Review status: no assertion criteria provided. Collection method: clinical testing. Allele origin: germline. Not counted in ClinVar's aggregate classification.

PreventionGenetics, part of Exact Sciences
Classification: Likely benign for CERKL-related condition. Last evaluated: 2019-06-26. Review status: no assertion criteria provided. Collection method: clinical testing. Allele origin: germline. Not counted in ClinVar's aggregate classification.
Comment: This variant is classified as likely benign based on ACMG/AMP sequence variant interpretation guidelines (Richards et al. 2015 PMID: 25741868, with internal and published modifications).

Clinical Genetics DNA and cytogenetics Diagnostics Lab, Erasmus MC, Erasmus Medical Center
Classification: Likely benign. Review status: no assertion criteria provided. Collection method: clinical testing. Allele origin: germline. Affected: yes. Study: VKGL Data-share Consensus. Not counted in ClinVar's aggregate classification.

Clinical Genetics, Academic Medical Center
Classification: Benign. Review status: no assertion criteria provided. Collection method: clinical testing. Allele origin: germline. Affected: yes. Study: VKGL Data-share Consensus. Not counted in ClinVar's aggregate classification.

NM_201548.5(CERKL):c.27G>A (p.Arg9=)

Genes: CERKL (CERK like autophagy regulator; minus strand), LOC129935215 (ATAC-STARR-seq lymphoblastoid silent region 12158; plus strand). Cytogenetic location: 2q31.3.
Variant type: single nucleotide variant.
Coding change: c.27G>A on transcript NM_201548.5 (MANE Select); coding-DNA position 27, G replaced by A.
Protein change: p.Arg9=; no amino-acid change (arginine 9 retained).
Molecular consequence: synonymous variant. On other transcripts: non-coding transcript variant (2).
Genome position (GRCh38, 1-based): chr2:181,656,980, C>T on the plus strand (G>A on the coding strand, the complement: CERKL is on the minus strand). VCF-style: chr2-181656980-C-T. GRCh37 (hg19) VCF-style: chr2-182521707-C-T.
Other names: c.27G>A, p.Arg9= (NM_001030311.3, NM_001030312.3, NM_001030313.3 and 1 more transcripts).
Identifiers: ClinVar variation 193519 (VCV000193519.50), dbSNP rs368855330, ClinGen allele CA239053.